The following is an entry in ClinVar:

ClinVar aggregate classification (germline): Pathogenic (1 of 4 stars; one submission).

Submission:

Labcorp Genetics (formerly Invitae), Labcorp
Classification: Pathogenic. Last evaluated: 2019-09-13. Review status: criteria provided, single submitter. Criteria: Invitae Variant Classification Sherloc (09022015). Collection method: clinical testing. Allele origin: germline.
Comment: This variant is not present in population databases (ExAC no frequency). For these reasons, this variant has been classified as Pathogenic. Loss-of-function variants in USH2A are known to be pathogenic (PMID: 10729113, 10909849, 20507924, 25649381). This variant has not been reported in the literature in individuals with USH2A-related conditions. This sequence change creates a premature translational stop signal (p.Ser3616Alafs*56) in the USH2A gene. It is expected to result in an absent or disrupted protein product.

Literature cited by the submitters: PubMed 10729113; PubMed 10909849; PubMed 20507924; PubMed 25649381.

NM_206933.4(USH2A):c.10845_10851del (p.Ser3616fs)

Gene: USH2A (usherin; minus strand). Cytogenetic location: 1q41.
Variant type: Deletion.
Coding change: c.10845_10851del on transcript NM_206933.4 (MANE Select); coding-DNA positions 10845 to 10851, 7 bases deleted (ATCAAAC; older notation c.10845_10851delATCAAAC).
Protein change: p.Ser3616fs; shifts the reading frame from serine 3616.
Molecular consequence: frameshift variant.
Genome position (GRCh38, 1-based): chr1:215,779,931-215,779,937, GTTTGAT deleted on the plus strand (ATCAAAC on the coding strand, the reverse complement: USH2A is on the minus strand). VCF-style (leftmost placement, unchanged base first): chr1-215779930-CGTTTGAT-C. GRCh37 (hg19) VCF-style: chr1-215953272-CGTTTGAT-C.
Other names: short protein forms S3616fs.
Identifiers: ClinVar variation 939512 (VCV000939512.7), dbSNP rs1661579382, ClinGen allele CA1139656569.